The following is an entry in ClinVar:

NM_018163.3(DNAJC17):c.182_184del (p.Glu61del)

Gene: DNAJC17 (DnaJ heat shock protein family (Hsp40) member C17; minus strand). Cytogenetic location: 15q15.1.
Variant type: Deletion.
Coding change: c.182_184del on transcript NM_018163.3 (MANE Select); coding-DNA positions 182 to 184, 3 bases deleted (AGG; older notation c.182_184delAGG).
Protein change: p.Glu61del; deletes glutamic acid 61.
Molecular consequence: inframe deletion.
Genome position (GRCh38, 1-based): chr15:40,779,568-40,779,570, CCT deleted on the plus strand (AGG on the coding strand, the reverse complement: DNAJC17 is on the minus strand); deleting any 3 consecutive bases within chr15:40,779,568-40,779,572 gives the same sequence; the c. name uses the placement nearest the transcript's 3' end. VCF-style (leftmost placement, unchanged base first): chr15-40779567-ACCT-A. GRCh37 (hg19) VCF-style: chr15-41071765-ACCT-A.
Other names: short protein forms E61del.
Identifiers: ClinVar variation 4728443 (VCV004728443.1).

ClinVar aggregate classification (germline): Uncertain significance (1 of 4 stars; one submission).

Submission:

Labcorp Genetics (formerly Invitae), Labcorp
Classification: Uncertain significance. Last evaluated: 2025-10-03. Review status: criteria provided, single submitter. Criteria: Invitae Variant Classification Sherloc (09022015). Collection method: clinical testing. Allele origin: germline.
Comment: This variant, c.182_184del, results in the deletion of 1 amino acid(s) of the DNAJC17 protein (p.Glu61del), but otherwise preserves the integrity of the reading frame. This variant is not present in population databases (gnomAD no frequency). This variant has not been reported in the literature in individuals affected with DNAJC17-related conditions. Experimental studies and prediction algorithms are not available or were not evaluated, and the functional significance of this variant is currently unknown. In summary, the available evidence is currently insufficient to determine the role of this variant in disease. Therefore, it has been classified as a Variant of Uncertain Significance.